The following is an entry in ClinVar:

NM_001103.4(ACTN2):c.1547A>G (p.Gln516Arg)

Gene: ACTN2 (actinin alpha 2; plus strand). Cytogenetic location: 1q43.
Variant type: single nucleotide variant.
Coding change: c.1547A>G on transcript NM_001103.4 (MANE Select); coding-DNA position 1547, A replaced by G.
Protein change: p.Gln516Arg; replaces glutamine 516 with arginine.
Molecular consequence: missense variant.
Genome position (GRCh38, 1-based): chr1:236,749,155, A>G. VCF-style: chr1-236749155-A-G. GRCh37 (hg19) VCF-style: chr1-236912455-A-G.
Other names: c.1547A>G, p.Gln516Arg (NM_001278343.2); c.923A>G, p.Gln308Arg (NM_001278344.2); short protein forms Q516R, Q308R.
Identifiers: ClinVar variation 570402 (VCV000570402.9), dbSNP rs1272875116, ClinGen allele CA345384714.

ClinVar aggregate classification (germline): Uncertain significance (1 of 4 stars; one submission).

Conditions:
Dilated cardiomyopathy 1AA (CMD1AA). Also called: Cardiomyopathy, dilated, 1AA, with or without LVNC; CARDIOMYOPATHY, DILATED, 1AA, WITH OR WITHOUT LEFT VENTRICULAR NONCOMPACTION; CARDIOMYOPATHY, FAMILIAL HYPERTROPHIC, 23, WITH OR WITHOUT LEFT VENTRICULAR NONCOMPACTION. Identifiers: Orphanet 154, MedGen C2677338, MONDO:0012808, OMIM 612158.
Primary familial hypertrophic cardiomyopathy (HCM). Identifiers: Orphanet 99739, MedGen C0949658, MeSH D024741, MONDO:0024573. Inheritance: Various modes of inheritance.

Allele frequency attached by ClinVar (database versions not stated): TOPMed 0.00001.
gnomAD v4.1: 2 of 1,614,092 alleles (0.00012%); highest among the groups gnomAD compares: East Asian, 0.0022%; no homozygotes.

Submission:

Labcorp Genetics (formerly Invitae), Labcorp
Classification: Uncertain significance for Primary familial hypertrophic cardiomyopathy; Dilated cardiomyopathy 1AA. Last evaluated: 2025-10-02. Review status: criteria provided, single submitter. Criteria: Invitae Variant Classification Sherloc (09022015). Collection method: clinical testing. Allele origin: germline.
Comment: This sequence change replaces glutamine, which is neutral and polar, with arginine, which is basic and polar, at codon 516 of the ACTN2 protein (p.Gln516Arg). This variant is not present in population databases (gnomAD no frequency). This variant has not been reported in the literature in individuals affected with ACTN2-related conditions. ClinVar contains an entry for this variant (Variation ID: 570402). Invitae Evidence Modeling of protein sequence and biophysical properties (such as structural, functional, and spatial information, amino acid conservation, physicochemical variation, residue mobility, and thermodynamic stability) indicates that this missense variant is not expected to disrupt ACTN2 protein function with a negative predictive value of 80%. In summary, the available evidence is currently insufficient to determine the role of this variant in disease. Therefore, it has been classified as a Variant of Uncertain Significance.